The following is an entry in ClinVar:

ClinVar aggregate classification (germline): Likely benign (1 of 4 stars; one submission).

Allele frequency attached by ClinVar (database versions not stated): gnomAD 0.00001; gnomAD exomes 0.00001; TOPMed 0.00001; ESP Exome Variant Server 0.00008.
gnomAD v4.1: 18 of 1,613,054 alleles (0.0011%); highest among the groups gnomAD compares: East Asian, 0.0022%; no homozygotes.

Submission:

CeGaT Center for Human Genetics Tuebingen
Classification: Likely benign. Last evaluated: 2022-09-01. Review status: criteria provided, single submitter. Criteria: CeGaT Center For Human Genetics Tuebingen Variant Classification Criteria Version 2. Collection method: clinical testing. Allele origin: germline. Affected: yes. Observed: 1 variant allele.
Comment: XIRP1: BP4

NM_194293.4(XIRP1):c.3577C>T (p.Arg1193Trp)

Gene: XIRP1 (xin actin binding repeat containing 1; minus strand). Cytogenetic location: 3p22.2.
Variant type: single nucleotide variant.
Coding change: c.3577C>T on transcript NM_194293.4 (MANE Select); coding-DNA position 3577, C replaced by T.
Protein change: p.Arg1193Trp; replaces arginine 1193 with tryptophan.
Molecular consequence: missense variant. On other transcripts: intron variant (2).
Genome position (GRCh38, 1-based): chr3:39,185,869, G>A on the plus strand (C>T on the coding strand, the complement: XIRP1 is on the minus strand). VCF-style: chr3-39185869-G-A. GRCh37 (hg19) VCF-style: chr3-39227360-G-A.
Other names: c.-167-208C>T (NM_001351377.2); c.3358-208C>T (NM_001198621.4); short protein forms R1193W.
Identifiers: ClinVar variation 2653686 (VCV002653686.24), dbSNP rs371572701, ClinGen allele CA73009640.